The following is an entry in ClinVar:

ClinVar aggregate classification (germline): Uncertain significance (1 of 4 stars; one submission).

Allele frequency attached by ClinVar (database versions not stated): TOPMed below 0.00001; ExAC 0.00001; gnomAD exomes 0.00001.
gnomAD v4.1: 3 of 1,614,202 alleles (0.00019%); highest among the groups gnomAD compares: Non-Finnish European, 0.00025%; no homozygotes.

Submission:

Ambry Genetics
Classification: Uncertain significance. Last evaluated: 2024-02-27. Review status: criteria provided, single submitter. Criteria: Ambry Variant Classification Scheme 2023. Collection method: clinical testing. Allele origin: germline.
Comment: The p.K55M variant (also known as c.164A>T), located in coding exon 1 of the MNDA gene, results from an A to T substitution at nucleotide position 164. The lysine at codon 55 is replaced by methionine, an amino acid with similar properties. This amino acid position is conserved. In addition, this alteration is predicted to be tolerated by in silico analysis. Since supporting evidence is limited at this time, the clinical significance of this alteration remains unclear.

NM_002432.3(MNDA):c.164A>T (p.Lys55Met)

Gene: MNDA (myeloid cell nuclear differentiation antigen; plus strand). Cytogenetic location: 1q23.1.
Variant type: single nucleotide variant.
Coding change: c.164A>T on transcript NM_002432.3 (MANE Select); coding-DNA position 164, A replaced by T.
Protein change: p.Lys55Met; replaces lysine 55 with methionine.
Molecular consequence: missense variant.
Genome position (GRCh38, 1-based): chr1:158,842,317, A>T. VCF-style: chr1-158842317-A-T. GRCh37 (hg19) VCF-style: chr1-158812107-A-T.
Other names: short protein forms K55M.
Identifiers: ClinVar variation 1777219 (VCV001777219.2), dbSNP rs767743040, ClinGen allele CA1185501.
Genomic context (GRCh38, chr1:158,842,317, plus strand): 5'-TAACTACAAAAATGCAAGAGGAATACAACAGAATTAAGATTACAGATTTGATGGAAAAAA[A>T]GTTCCAAGGCGTTGCCTGTCTAGACAAACTAATAGAACTTGCCAAAGATATGCCATCACT-3'
Protein context (NP_002423.1, residues 45-65): RIKITDLMEK[Lys55Met]FQGVACLDKL